The following is an entry in ClinVar:

NM_022042.4(SLC26A1):c.1910A>G (p.Tyr637Cys)

Genes: SLC26A1 (solute carrier family 26 member 1; minus strand), IDUA (alpha-L-iduronidase; plus strand). Cytogenetic location: 4p16.3.
Variant type: single nucleotide variant.
Coding change: c.1910A>G on transcript NM_022042.4 (MANE Select); coding-DNA position 1910, A replaced by G.
Protein change: p.Tyr637Cys; replaces tyrosine 637 with cysteine.
Molecular consequence: missense variant. On other transcripts: intron variant (2).
Genome position (GRCh38, 1-based): chr4:989,029, T>C on the plus strand (A>G on the coding strand, the complement: SLC26A1 is on the minus strand). VCF-style: chr4-989029-T-C. GRCh37 (hg19) VCF-style: chr4-982817-T-C.
Other names: c.1910A>G, p.Tyr637Cys (NM_213613.4); c.576+2099A>G (NM_134425.4); c.299+1080T>C (NM_000203.5); short protein forms Y637C.
Identifiers: ClinVar variation 3319280 (VCV003319280.3).

ClinVar aggregate classification (germline): Uncertain significance. Review status: criteria provided, multiple submitters, no conflicts (2 of 4 stars). 2 submissions from 2 submitters: Uncertain significance (2). Last evaluated 2024-07-13.

Conditions:
Inborn genetic diseases. Identifiers: MedGen C0950123, MeSH D030342.

gnomAD v4.1: 57 of 1,582,820 alleles (0.0036%); highest among the groups gnomAD compares: Admixed American, 0.011%; no homozygotes.

Submissions (2):

Labcorp Genetics (formerly Invitae), Labcorp
Classification: Uncertain significance. Last evaluated: 2024-07-13. Review status: criteria provided, single submitter. Criteria: Invitae Variant Classification Sherloc (09022015). Collection method: clinical testing. Allele origin: germline.
Comment: This sequence change replaces tyrosine, which is neutral and polar, with cysteine, which is neutral and slightly polar, at codon 637 of the SLC26A1 protein (p.Tyr637Cys). This variant is present in population databases (rs768843088, gnomAD 0.01%). This variant has not been reported in the literature in individuals affected with SLC26A1-related conditions. Advanced modeling of protein sequence and biophysical properties (such as structural, functional, and spatial information, amino acid conservation, physicochemical variation, residue mobility, and thermodynamic stability) performed at Invitae indicates that this missense variant is not expected to disrupt SLC26A1 protein function with a negative predictive value of 80%. In summary, the available evidence is currently insufficient to determine the role of this variant in disease. Therefore, it has been classified as a Variant of Uncertain Significance.

Ambry Genetics
Classification: Uncertain significance for Inborn genetic diseases. Last evaluated: 2024-05-09. Review status: criteria provided, single submitter. Criteria: Ambry Variant Classification Scheme 2023. Collection method: clinical testing. Allele origin: germline.